The following is an entry in ClinVar:

ClinVar aggregate classification (germline): Benign/Likely benign. Review status: criteria provided, multiple submitters, no conflicts (2 of 4 stars). 10 submissions from 8 submitters: Benign (9); Likely benign (1). Last evaluated 2026-02-04.

Conditions:
Schwartz-Jampel syndrome. Also called: Myotonic myopathy dwarfism chondrodystrophy and ocular and facial abnormalities. Identifiers: Orphanet 800, MedGen C0036391, MONDO:0009717.
Schwartz-Jampel syndrome type 1 (SJS1). Also called: MYOTONIC MYOPATHY, DWARFISM, CHONDRODYSTROPHY, AND OCULAR AND FACIAL ABNORMALITIES; CHONDRODYSTROPHIC MYOTONIA. Identifiers: MedGen C4551479, MONDO:0100435, OMIM 255800.
Connective tissue disorder. Also called: Connective tissue disease. Identifiers: MedGen C0009782, MONDO:0003900.
Lethal Kniest-like syndrome (DDSH). Also called: Dyssegmental Dysplasia. Identifiers: Orphanet 1865, MedGen C1857100, MONDO:0009140, OMIM 224410.

Allele frequency attached by ClinVar (database versions not stated): gnomAD 0.04258 and 0.04063; gnomAD exomes 0.04331 and 0.04798; 1000 Genomes Project 0.02177; 1000 Genomes Project 30x 0.02202; TOPMed 0.03624; ESP Exome Variant Server 0.03929; ExAC 0.04248.
gnomAD v4.1: 76,108 of 1,614,022 alleles (4.7%); highest among the groups gnomAD compares: Non-Finnish European, 5.2%; 2,126 homozygotes.

Submissions (10):

Labcorp Genetics (formerly Invitae), Labcorp
Classification: Benign. Last evaluated: 2026-02-04. Review status: criteria provided, single submitter. Criteria: Invitae Variant Classification Sherloc (09022015). Collection method: clinical testing. Allele origin: germline.

ARUP Laboratories, Molecular Genetics and Genomics, ARUP Laboratories
Classification: Benign. Last evaluated: 2024-12-17. Review status: criteria provided, single submitter. Criteria: ARUP Molecular Germline Variant Investigation Process 2024. Collection method: clinical testing. Allele origin: germline.

Blueprint Genetics
Classification: Likely benign. Last evaluated: 2024-11-26. Review status: criteria provided, single submitter. Criteria: ACMG Guidelines, 2015. Collection method: clinical testing. Allele origin: germline.

Genome-Nilou Lab
Classification: Benign for Lethal Kniest-like syndrome. Last evaluated: 2023-04-11. Review status: criteria provided, single submitter. Criteria: ACMG Guidelines, 2015. Collection method: clinical testing. Allele origin: germline. Affected: no.

Genome-Nilou Lab
Classification: Benign for Schwartz-Jampel syndrome type 1. Last evaluated: 2023-04-11. Review status: criteria provided, single submitter. Criteria: ACMG Guidelines, 2015. Collection method: clinical testing. Allele origin: germline. Affected: no.

Genome Diagnostics Laboratory, The Hospital for Sick Children
Classification: Benign for Connective tissue disorder. Last evaluated: 2022-04-15. Review status: criteria provided, single submitter. Criteria: ACMG Guidelines, 2015. Collection method: clinical testing. Allele origin: germline.

GeneDx
Classification: Benign. Last evaluated: 2018-08-20. Review status: criteria provided, single submitter. Criteria: GeneDx Variant Classification Process June 2021. Collection method: clinical testing. Allele origin: germline. Affected: yes.

Illumina Laboratory Services, Illumina
Classification: Benign for Lethal Kniest-like syndrome. Last evaluated: 2018-01-13. Review status: criteria provided, single submitter. Criteria: ICSL Variant Classification Criteria 13 December 2019. Collection method: clinical testing. Allele origin: germline.
Comment: This variant was observed in the ICSL laboratory as part of a predisposition screen in an ostensibly healthy population. It had not been previously curated by ICSL or reported in the Human Gene Mutation Database (HGMD: prior to June 1st, 2018), and was therefore a candidate for classification through an automated scoring system. Utilizing variant allele frequency, disease prevalence and penetrance estimates, and inheritance mode, an automated score was calculated to assess if this variant is too frequent to cause the disease. Based on the score and internal cut-off values, a variant classified as benign is not then subjected to further curation. The score for this variant resulted in a classification of benign for this disease.

Illumina Laboratory Services, Illumina
Classification: Benign for Schwartz-Jampel syndrome type 1. Last evaluated: 2018-01-13. Review status: criteria provided, single submitter. Criteria: ICSL Variant Classification Criteria 13 December 2019. Collection method: clinical testing. Allele origin: germline.
Comment: the same text as in the submission from Illumina Laboratory Services, Illumina above.

Breakthrough Genomics
Classification: Benign. Review status: criteria provided, single submitter. Criteria: ACMG Guidelines, 2015. Collection method: not provided. Allele origin: germline. Inheritance: Autosomal recessive inheritance. Affected: yes.

NM_005529.7(HSPG2):c.10918G>A (p.Val3640Ile)

Gene: HSPG2 (heparan sulfate proteoglycan 2; minus strand). Cytogenetic location: 1p36.12.
Variant type: single nucleotide variant.
Coding change: c.10918G>A on transcript NM_005529.7 (MANE Select); coding-DNA position 10918, G replaced by A.
Protein change: p.Val3640Ile; replaces valine 3640 with isoleucine.
Molecular consequence: missense variant.
Genome position (GRCh38, 1-based): chr1:21,833,527, C>T on the plus strand (G>A on the coding strand, the complement: HSPG2 is on the minus strand). VCF-style: chr1-21833527-C-T. GRCh37 (hg19) VCF-style: chr1-22160020-C-T.
Other names: c.10921G>A, p.Val3641Ile (NM_001291860.2); short protein forms V3640I, V3641I.
Identifiers: ClinVar variation 295726 (VCV000295726.33), dbSNP rs17459097, ClinGen allele CA669981.